The following is an entry in ClinVar:

ClinVar aggregate classification (germline): Likely benign. Review status: criteria provided, multiple submitters, no conflicts (2 of 4 stars). 3 submissions from 3 submitters: Likely benign (3). Last evaluated 2026-01-21.

Conditions:
Hereditary diffuse gastric adenocarcinoma (HDGC). Also called: DIFFUSE GASTRIC AND LOBULAR BREAST CANCER SYNDROME. Identifiers: Orphanet 26106, MedGen C1708349, MONDO:0007648, OMIM 137215.

Allele frequency attached by ClinVar (database versions not stated): gnomAD exomes below 0.00001; TOPMed below 0.00001.
gnomAD v4.1: 3 of 1,610,782 alleles (0.00019%); highest among the groups gnomAD compares: South Asian, 0.0011%; no homozygotes.

Submissions (3):

Labcorp Genetics (formerly Invitae), Labcorp
Classification: Likely benign for Hereditary diffuse gastric adenocarcinoma. Last evaluated: 2026-01-21. Review status: criteria provided, single submitter. Criteria: Invitae Variant Classification Sherloc (09022015). Collection method: clinical testing. Allele origin: germline.

Center for Genomic Medicine, Rigshospitalet, Copenhagen University Hospital
Classification: Likely benign. Last evaluated: 2025-03-04. Review status: criteria provided, single submitter. Criteria: ACMG Guidelines, 2015. Collection method: clinical testing. Allele origin: germline.

Myriad Genetics, Inc.
Classification: Likely benign for Hereditary diffuse gastric adenocarcinoma. Last evaluated: 2024-09-23. Review status: criteria provided, single submitter. Criteria: Myriad Autosomal Dominant, Autosomal Recessive and X-Linked Classification Criteria (2023). Collection method: clinical testing. Allele origin: unknown.
Comment: This variant is considered likely benign. This variant is intronic and is not expected to impact mRNA splicing.

NM_004360.5(CDH1):c.2440-14C>T

Gene: CDH1 (cadherin 1; plus strand). Cytogenetic location: 16q22.1.
Variant type: single nucleotide variant.
Coding change: c.2440-14C>T on transcript NM_004360.5 (MANE Select); 14 bases into the intron before coding-DNA position 2440, C replaced by T.
Molecular consequence: intron variant.
Genome position (GRCh38, 1-based): chr16:68,833,276, C>T. VCF-style: chr16-68833276-C-T. GRCh37 (hg19) VCF-style: chr16-68867179-C-T.
Other names: c.892-14C>T (NM_001317185.2); c.475-14C>T (NM_001317186.2); c.2257-14C>T (NM_001317184.2).
Identifiers: ClinVar variation 1697784 (VCV001697784.11), dbSNP rs1301388290, ClinGen allele CA623574767.
Genomic context (GRCh38, chr16:68,833,276, plus strand): 5'-GCTAGACTTCTTGCCCCAGATGACAGGTGTGCCCTTCCTTTCACTAAAAGATGCTTTTGT[C>T]CCTTCTTCTTTAGAATCTGAAAGCGGCTGATACTGACCCCACAGCCCCGCCTTATGATTC-3'